The following is an entry in ClinVar:

ClinVar aggregate classification (germline): Uncertain significance (1 of 4 stars; one submission).

Conditions:
Glycine encephalopathy. Also called: Nonketotic hyperglycinemia; Non-ketotic hyperglycinemia. Identifiers: Orphanet 407, MedGen C0751748, MONDO:0011612, HP:0008288.

Allele frequency attached by ClinVar (database versions not stated): gnomAD exomes below 0.00001.
gnomAD v4.1: 3 of 1,611,444 alleles (0.00019%); highest among the groups gnomAD compares: Admixed American, 0.0033%; no homozygotes.

Submission:

Labcorp Genetics (formerly Invitae), Labcorp
Classification: Uncertain significance for Glycine encephalopathy. Last evaluated: 2022-01-14. Review status: criteria provided, single submitter. Criteria: Invitae Variant Classification Sherloc (09022015). Collection method: clinical testing. Allele origin: germline.
Comment: In summary, the available evidence is currently insufficient to determine the role of this variant in disease. Therefore, it has been classified as a Variant of Uncertain Significance. Advanced modeling of protein sequence and biophysical properties (such as structural, functional, and spatial information, amino acid conservation, physicochemical variation, residue mobility, and thermodynamic stability) performed at Invitae indicates that this missense variant is not expected to disrupt GLDC protein function. This variant has not been reported in the literature in individuals affected with GLDC-related conditions. The frequency data for this variant in the population databases is considered unreliable, as metrics indicate poor data quality at this position in the gnomAD database. This sequence change replaces arginine, which is basic and polar, with lysine, which is basic and polar, at codon 1017 of the GLDC protein (p.Arg1017Lys).

NM_000170.3(GLDC):c.3050G>A (p.Arg1017Lys)

Gene: GLDC (glycine decarboxylase; minus strand). Cytogenetic location: 9p24.1.
Variant type: single nucleotide variant.
Coding change: c.3050G>A on transcript NM_000170.3 (MANE Select); coding-DNA position 3050, G replaced by A.
Protein change: p.Arg1017Lys; replaces arginine 1017 with lysine.
Molecular consequence: missense variant.
Genome position (GRCh38, 1-based): chr9:6,533,030, C>T on the plus strand (G>A on the coding strand, the complement: GLDC is on the minus strand). VCF-style: chr9-6533030-C-T. GRCh37 (hg19) VCF-style: chr9-6533030-C-T.
Other names: short protein forms R1017K.
Identifiers: ClinVar variation 1362239 (VCV001362239.7), dbSNP rs1294726700, ClinGen allele CA372881507.
Genomic context (GRCh38, chr9:6,533,030, plus strand): 5'-TCTGGGGAGAGGCATCAAATCAGTCCTTTAAACTTAGGGACAGAGGACTAAGAAGACGCC[C>T]TCTTTTGTTCAGAAAATGGAGACTCATAAACTTCCATGGGTGGGCAGGTACAAACCAGGT-3'
Protein context (NP_000161.2, residues 1007-1020): VYESPFSEQK[Arg1017Lys]ASS